The following is an entry in ClinVar:

NM_001128840.3(CACNA1D):c.6218G>A (p.Arg2073His)

Gene: CACNA1D (calcium voltage-gated channel subunit alpha1 D; plus strand). Cytogenetic location: 3p21.1.
Variant type: single nucleotide variant.
Coding change: c.6218G>A on transcript NM_001128840.3 (MANE Select); coding-DNA position 6218, G replaced by A.
Protein change: p.Arg2073His; replaces arginine 2073 with histidine.
Molecular consequence: missense variant.
Genome position (GRCh38, 1-based): chr3:53,811,138, G>A. VCF-style: chr3-53811138-G-A. GRCh37 (hg19) VCF-style: chr3-53845165-G-A.
Other names: c.6278G>A, p.Arg2093His (NM_000720.4); c.6146G>A, p.Arg2049His (NM_001128839.3); short protein forms R2049H, R2093H, R2073H.
Identifiers: ClinVar variation 2052158 (VCV002052158.4), dbSNP rs745397912, ClinGen allele CA2455407.
Genomic context (GRCh38, chr3:53,811,138, plus strand): 5'-CACCCCCATGCCATCCATCCCTCTTTTCTGTACAGGTCCTGATATCCGAAGGCTTGGGAC[G>A]CTATGCAAGGGACCCAAAATTTGTGTCAGCAACAAAACACGAAATCGCTGATGCCTGTGA-3'
Protein context (NP_001122312.1, residues 2063-2083): EAVLISEGLG[Arg2073His]YARDPKFVSA

ClinVar aggregate classification (germline): Uncertain significance (1 of 4 stars; one submission).

Allele frequency attached by ClinVar (database versions not stated): TOPMed below 0.00001; ExAC 0.00001; gnomAD 0.00001; gnomAD exomes 0.00001.
gnomAD v4.1: 14 of 1,613,832 alleles (0.00087%); highest among the groups gnomAD compares: East Asian, 0.0022%; no homozygotes.

Submission:

Labcorp Genetics (formerly Invitae), Labcorp
Classification: Uncertain significance. Last evaluated: 2025-08-14. Review status: criteria provided, single submitter. Criteria: Invitae Variant Classification Sherloc (09022015). Collection method: clinical testing. Allele origin: germline.
Comment: This sequence change replaces arginine, which is basic and polar, with histidine, which is basic and polar, at codon 2093 of the CACNA1D protein (p.Arg2093His). This variant is present in population databases (rs745397912, gnomAD 0.003%). This variant has not been reported in the literature in individuals affected with CACNA1D-related conditions. ClinVar contains an entry for this variant (Variation ID: 2052158). An algorithm developed to predict the effect of missense changes on protein structure and function (PolyPhen-2) suggests that this variant is likely to be disruptive. In summary, the available evidence is currently insufficient to determine the role of this variant in disease. Therefore, it has been classified as a Variant of Uncertain Significance.